The following is an entry in ClinVar:

ClinVar aggregate classification (germline): Conflicting classifications of pathogenicity. Review status: criteria provided, conflicting classifications (1 of 4 stars). 2 submissions from 2 submitters: Uncertain significance (1); Likely benign (1). Last evaluated 2025-04-11.

Conditions:
Hereditary spastic paraplegia 3A (SPG3A). Also called: SPASTIC PARAPLEGIA 3, AUTOSOMAL DOMINANT; FAMILIAL SPASTIC PARAPLEGIA, AUTOSOMAL DOMINANT, 1; SPG3; STRUMPELL DISEASE; Spastic Paraplegia 3A; Spastic paraplegia 3A, autosomal dominant. Identifiers: Orphanet 100984, MedGen C2931355, MONDO:0008437, OMIM 182600.

gnomAD v4.1: 2 of 1,614,066 alleles (0.00012%); highest among the groups gnomAD compares: African/African-American, 0.0013%; no homozygotes.

Submissions (2):

Labcorp Genetics (formerly Invitae), Labcorp
Classification: Likely benign for Hereditary spastic paraplegia 3A. Last evaluated: 2025-04-11. Review status: criteria provided, single submitter. Criteria: Invitae Variant Classification Sherloc (09022015). Collection method: clinical testing. Allele origin: germline.

GeneDx
Classification: Uncertain significance. Last evaluated: 2024-08-20. Review status: criteria provided, single submitter. Criteria: GeneDx Variant Classification Process June 2021. Collection method: clinical testing. Allele origin: germline. Affected: yes.
Comment: Not observed at significant frequency in large population cohorts (gnomAD); In silico analysis indicates that this variant does not alter splicing; Has not been previously published as pathogenic or benign to our knowledge

NM_015915.5(ATL1):c.1410G>A (p.Leu470=)

Gene: ATL1 (atlastin GTPase 1; plus strand). Cytogenetic location: 14q22.1.
Variant type: single nucleotide variant.
Coding change: c.1410G>A on transcript NM_015915.5 (MANE Select); coding-DNA position 1410, G replaced by A.
Protein change: p.Leu470=; no amino-acid change (leucine 470 retained).
Molecular consequence: synonymous variant.
Genome position (GRCh38, 1-based): chr14:50,628,321, G>A. VCF-style: chr14-50628321-G-A. GRCh37 (hg19) VCF-style: chr14-51095039-G-A.
Other names: c.1410G>A, p.Leu470= (NM_001127713.1, NM_181598.4).
Identifiers: ClinVar variation 3764402 (VCV003764402.2).